The following is an entry in ClinVar:

ClinVar aggregate classification (germline): Uncertain significance. Review status: criteria provided, multiple submitters, no conflicts (2 of 4 stars). 2 submissions from 2 submitters: Uncertain significance (2). Last evaluated 2021-12-29.

Conditions:
Alstrom syndrome (ALMS). Identifiers: Orphanet 64, MedGen C0268425, MONDO:0008763, OMIM 203800.
Cardiovascular phenotype. Identifiers: MedGen CN230736.

Allele frequency attached by ClinVar (database versions not stated): gnomAD exomes below 0.00001 and 0.00001; TOPMed below 0.00001; ExAC 0.00001.
gnomAD v4.1: 17 of 1,614,102 alleles (0.0011%); highest among the groups gnomAD compares: Non-Finnish European, 0.0014%; no homozygotes.

Submissions (2):

Labcorp Genetics (formerly Invitae), Labcorp
Classification: Uncertain significance for Alstrom syndrome. Last evaluated: 2021-12-29. Review status: criteria provided, single submitter. Criteria: Invitae Variant Classification Sherloc (09022015). Collection method: clinical testing. Allele origin: germline.
Comment: This sequence change replaces proline, which is neutral and non-polar, with leucine, which is neutral and non-polar, at codon 3054 of the ALMS1 protein (p.Pro3054Leu). This variant is present in population databases (rs768273806, gnomAD 0.0009%). This variant has not been reported in the literature in individuals affected with ALMS1-related conditions. Experimental studies and prediction algorithms are not available or were not evaluated, and the functional significance of this variant is currently unknown. In summary, the available evidence is currently insufficient to determine the role of this variant in disease. Therefore, it has been classified as a Variant of Uncertain Significance.

Ambry Genetics
Classification: Uncertain significance for Cardiovascular phenotype. Last evaluated: 2021-01-25. Review status: criteria provided, single submitter. Criteria: Ambry Variant Classification Scheme 2023. Collection method: clinical testing. Allele origin: germline.
Comment: The p.P3054L variant (also known as c.9161C>T), located in coding exon 10 of the ALMS1 gene, results from a C to T substitution at nucleotide position 9161. The proline at codon 3054 is replaced by leucine, an amino acid with similar properties. This amino acid position is highly conserved in available vertebrate species. In addition, the in silico prediction for this alteration is inconclusive. Since supporting evidence is limited at this time, the clinical significance of this alteration remains unclear.

NM_001378454.1(ALMS1):c.9158C>T (p.Pro3053Leu)

Gene: ALMS1 (ALMS1 centrosome and basal body associated protein; plus strand). Cytogenetic location: 2p13.1.
Variant type: single nucleotide variant.
Coding change: c.9158C>T on transcript NM_001378454.1 (MANE Select); coding-DNA position 9158, C replaced by T.
Protein change: p.Pro3053Leu; replaces proline 3053 with leucine.
Molecular consequence: missense variant.
Genome position (GRCh38, 1-based): chr2:73,491,117, C>T. VCF-style: chr2-73491117-C-T. GRCh37 (hg19) VCF-style: chr2-73718244-C-T.
Other names: c.9161C>T, p.Pro3054Leu (NM_015120.4); short protein forms P3053L, P3054L.
Identifiers: ClinVar variation 1448311 (VCV001448311.5), dbSNP rs768273806, ClinGen allele CA1714612.